The following is an entry in ClinVar:

NM_004360.5(CDH1):c.1045_1046dup (p.Asp349fs)

Gene: CDH1 (cadherin 1; plus strand). Cytogenetic location: 16q22.1.
Variant type: Duplication.
Coding change: c.1045_1046dup on transcript NM_004360.5 (MANE Select); coding-DNA positions 1045 to 1046, 2 bases duplicated (GA; older notation c.1045_1046dupGA).
Protein change: p.Asp349fs; shifts the reading frame from aspartic acid 349.
Molecular consequence: frameshift variant. On other transcripts: 5 prime UTR variant (2).
Genome position (GRCh38, 1-based): chr16:68,812,171-68,812,172, GA duplicated. VCF-style (leftmost placement, unchanged base first): chr16-68812170-T-TGA. GRCh37 (hg19) VCF-style: chr16-68846073-T-TGA.
Other names: c.1045_1046dup, p.Asp349fs (NM_001317184.2); c.-571_-570dup (NM_001317185.2); c.-775_-774dup (NM_001317186.2); short protein forms D349fs.
Identifiers: ClinVar variation 3725078 (VCV003725078.2).

ClinVar aggregate classification (germline): Pathogenic (1 of 4 stars; one submission).

Conditions:
Hereditary diffuse gastric adenocarcinoma (HDGC). Also called: DIFFUSE GASTRIC AND LOBULAR BREAST CANCER SYNDROME. Identifiers: Orphanet 26106, MedGen C1708349, MONDO:0007648, OMIM 137215.

Submission:

Labcorp Genetics (formerly Invitae), Labcorp
Classification: Pathogenic for Hereditary diffuse gastric adenocarcinoma. Last evaluated: 2025-03-18. Review status: criteria provided, single submitter. Criteria: Invitae Variant Classification Sherloc (09022015). Collection method: clinical testing. Allele origin: germline.
Comment: This sequence change creates a premature translational stop signal (p.Asp349Glufs*8) in the CDH1 gene. It is expected to result in an absent or disrupted protein product. Loss-of-function variants in CDH1 are known to be pathogenic (PMID: 15235021, 20373070). This variant is not present in population databases (gnomAD no frequency). This variant has not been reported in the literature in individuals affected with CDH1-related conditions. For these reasons, this variant has been classified as Pathogenic.

Literature cited by the submitters: PubMed 15235021; PubMed 20373070.